The following is an entry in ClinVar:

NM_000222.3(KIT):c.1485C>T (p.Asn495=)

Gene: KIT (KIT proto-oncogene, receptor tyrosine kinase; plus strand). Cytogenetic location: 4q12.
Variant type: single nucleotide variant.
Coding change: c.1485C>T on transcript NM_000222.3 (MANE Select); coding-DNA position 1485, C replaced by T.
Protein change: p.Asn495=; no amino-acid change (asparagine 495 retained).
Molecular consequence: synonymous variant.
Genome position (GRCh38, 1-based): chr4:54,725,995, C>T. VCF-style: chr4-54725995-C-T. GRCh37 (hg19) VCF-style: chr4-55592161-C-T.
Other names: c.1485C>T, p.Asn495= (NM_001093772.2, NM_001385285.1, NM_001385286.1); c.1488C>T, p.Asn496= (NM_001385284.1, NM_001385288.1, NM_001385290.1 and 1 more transcripts).
Identifiers: ClinVar variation 706126 (VCV000706126.14), dbSNP rs775498908, ClinGen allele CA2923496.
Genomic context (GRCh38, chr4:54,725,995, plus strand): 5'-GAGTTCTATAGATTCTAGTGCATTCAAGCACAATGGCACGGTTGAATGTAAGGCTTACAA[C>T]GATGTGGGCAAGACTTCTGCCTATTTTAACTTTGCATTTAAAGGTAACAACAAAGGTATA-3'
Protein context (NP_000213.1, residues 485-505): HNGTVECKAY[Asn495=]DVGKTSAYFN

ClinVar aggregate classification (germline): Benign/Likely benign. Review status: criteria provided, multiple submitters, no conflicts (2 of 4 stars). 4 submissions from 4 submitters: Benign (1); Likely benign (3). Last evaluated 2026-06-03.

Conditions:
KIT-related disorder. Also called: KIT-related condition.
Hereditary cancer-predisposing syndrome. Also called: Neoplastic Syndromes, Hereditary; Tumor predisposition; Hereditary Cancer Syndrome; Hereditary neoplastic syndrome. Identifiers: Orphanet 140162, MedGen C0027672, MeSH D009386, MONDO:0015356.
Gastrointestinal stromal tumor. Also called: Gastrointestinal stroma tumor; Gastrointestinal stromal tumor, somatic. Identifiers: Orphanet 44890, MedGen C0238198, MeSH D046152, MONDO:0011719, OMIM 606764, HP:0100723.

Allele frequency attached by ClinVar (database versions not stated): ExAC 0.00001; gnomAD exomes 0.00001.
gnomAD v4.1: 11 of 1,614,100 alleles (0.00068%); highest among the groups gnomAD compares: South Asian, 0.0077%; no homozygotes.

Submissions (4):

Myriad Genetics, Inc.
Classification: Benign for Gastrointestinal stromal tumor. Last evaluated: 2026-06-03. Review status: criteria provided, single submitter. Criteria: Myriad Autosomal Dominant, Autosomal Recessive and X-Linked Classification Criteria (2023). Collection method: clinical testing. Allele origin: unknown.
Comment: This variant is considered benign. This variant is a silent/synonymous amino acid change and it is not expected to impact splicing.

PreventionGenetics, part of Exact Sciences
Classification: Likely benign for KIT-related condition. Last evaluated: 2026-05-26. Review status: criteria provided, single submitter. Criteria: ACMG Guidelines, 2015. Collection method: clinical testing. Allele origin: germline.
Comment: This variant is classified as likely benign based on ACMG/AMP sequence variant interpretation guidelines (Richards et al. 2015 PMID: 25741868, with internal and published modifications).

Labcorp Genetics (formerly Invitae), Labcorp
Classification: Likely benign for Gastrointestinal stromal tumor. Last evaluated: 2025-11-12. Review status: criteria provided, single submitter. Criteria: Invitae Variant Classification Sherloc (09022015). Collection method: clinical testing. Allele origin: germline.

Ambry Genetics
Classification: Likely benign for Hereditary cancer-predisposing syndrome. Last evaluated: 2022-03-24. Review status: criteria provided, single submitter. Criteria: Ambry Variant Classification Scheme 2023. Collection method: clinical testing. Allele origin: germline.